The following is an entry in ClinVar:

ClinVar aggregate classification (germline): Uncertain significance. Review status: criteria provided, multiple submitters, no conflicts (2 of 4 stars). 2 submissions from 2 submitters: Uncertain significance (2). Last evaluated 2025-09-11.

Allele frequency attached by ClinVar (database versions not stated): TOPMed 0.00004; ExAC 0.00005; gnomAD 0.00005.

Submissions (2):

Ambry Genetics
Classification: Uncertain significance. Last evaluated: 2025-09-11. Review status: criteria provided, single submitter. Criteria: Ambry Variant Classification Scheme 2023. Collection method: clinical testing. Allele origin: germline.

Labcorp Genetics (formerly Invitae), Labcorp
Classification: Uncertain significance. Last evaluated: 2024-10-07. Review status: criteria provided, single submitter. Criteria: Invitae Variant Classification Sherloc (09022015). Collection method: clinical testing. Allele origin: germline.
Comment: This sequence change replaces arginine, which is basic and polar, with tryptophan, which is neutral and slightly polar, at codon 48 of the FGFRL1 protein (p.Arg48Trp). The frequency data for this variant in the population databases is considered unreliable, as metrics indicate poor data quality at this position in the gnomAD database. This variant has not been reported in the literature in individuals affected with FGFRL1-related conditions. ClinVar contains an entry for this variant (Variation ID: 1408020). An algorithm developed to predict the effect of missense changes on protein structure and function (PolyPhen-2) suggests that this variant is likely to be disruptive. In summary, the available evidence is currently insufficient to determine the role of this variant in disease. Therefore, it has been classified as a Variant of Uncertain Significance.

NM_001004356.3(FGFRL1):c.142C>T (p.Arg48Trp)

Gene: FGFRL1 (fibroblast growth factor receptor like 1; plus strand). Cytogenetic location: 4p16.3.
Variant type: single nucleotide variant.
Coding change: c.142C>T on transcript NM_001004356.3 (MANE Select); coding-DNA position 142, C replaced by T.
Protein change: p.Arg48Trp; replaces arginine 48 with tryptophan.
Molecular consequence: missense variant.
Genome position (GRCh38, 1-based): chr4:1,022,265, C>T. VCF-style: chr4-1022265-C-T. GRCh37 (hg19) VCF-style: chr4-1016053-C-T.
Other names: c.142C>T, p.Arg48Trp (NM_001004358.1, NM_001370296.1, NM_021923.3); c.142C>T (NM_001004356.2); short protein forms R48W.
Identifiers: ClinVar variation 1408020 (VCV001408020.9), dbSNP rs769788707, ClinGen allele CA2802590.
Genomic context (GRCh38, chr4:1,022,265, plus strand): 5'-CCCCCAAAGATGGCGGACAAGGTGGTCCCACGGCAGGTGGCCCGGCTGGGCCGCACTGTG[C>T]GGCTGCAGTGCCCAGTGGAGGGGGACCCGCCGCCGCTGACCATGTGGACCAAGGATGGCC-3'
Protein context (NP_001004356.1, residues 38-58): RQVARLGRTV[Arg48Trp]LQCPVEGDPP